The following is an entry in ClinVar:

NM_194454.3(KRIT1):c.1356T>A (p.Arg452=)

Gene: KRIT1 (KRIT1 ankyrin repeat containing; minus strand). Cytogenetic location: 7q21.2.
Variant type: single nucleotide variant.
Coding change: c.1356T>A on transcript NM_194454.3 (MANE Select); coding-DNA position 1356, T replaced by A.
Protein change: p.Arg452=; no amino-acid change (arginine 452 retained).
Molecular consequence: synonymous variant.
Genome position (GRCh38, 1-based): chr7:92,222,877, A>T on the plus strand (T>A on the coding strand, the complement: KRIT1 is on the minus strand). VCF-style: chr7-92222877-A-T. GRCh37 (hg19) VCF-style: chr7-91852191-A-T.
Other names: p.Arg452=; c.1212T>A, p.Arg404= (NM_001013406.2, NM_001350669.1, NM_001350670.1); c.642T>A, p.Arg214= (NM_001350671.1); c.1356T>A, p.Arg452= (NM_001350672.1, NM_001350673.1, NM_001350674.1 and 26 more transcripts).
Identifiers: ClinVar variation 4683289 (VCV004683289.1).

ClinVar aggregate classification (germline): Likely benign (1 of 4 stars; one submission).

gnomAD v4.1: 78 of 1,608,950 alleles (0.0048%); highest among the groups gnomAD compares: Non-Finnish European, 0.0065%; no homozygotes.

Submission:

Mayo Clinic Laboratories, Mayo Clinic
Classification: Likely benign. Last evaluated: 2025-11-19. Review status: criteria provided, single submitter. Criteria: ACMG Guidelines, 2015. Collection method: clinical testing. Allele origin: germline. Observed: 1 variant allele.
Comment: BP4, BP7